The following is an entry in ClinVar:

ClinVar aggregate classification (germline): Uncertain significance. Review status: criteria provided, multiple submitters, no conflicts (2 of 4 stars). 3 submissions from 3 submitters: Uncertain significance (3). Last evaluated 2024-06-11.

Conditions:
Inborn genetic diseases. Identifiers: MedGen C0950123, MeSH D030342.

Allele frequency attached by ClinVar (database versions not stated): gnomAD 0.00003; TOPMed 0.00003.
gnomAD v4.1: 70 of 1,610,562 alleles (0.0043%); highest among the groups gnomAD compares: East Asian, 0.033%; no homozygotes.

Submissions (3):

Ambry Genetics
Classification: Uncertain significance for Inborn genetic diseases. Last evaluated: 2024-06-11. Review status: criteria provided, single submitter. Criteria: Ambry Variant Classification Scheme 2023. Collection method: clinical testing. Allele origin: germline.
Comment: The c.9689C>T (p.T3230M) alteration is located in exon 41 (coding exon 41) of the SPEG gene. This alteration results from a C to T substitution at nucleotide position 9689, causing the threonine (T) at amino acid position 3230 to be replaced by a methionine (M). Based on data from gnomAD, the T allele has an overall frequency of 0.004% (10/242972) total alleles studied. The highest observed frequency was 0.028% (5/17884) of East Asian alleles. This amino acid position is highly conserved in available vertebrate species. The in silico prediction for this alteration is inconclusive. Based on insufficient or conflicting evidence, the clinical significance of this alteration remains unclear.

Blueprint Genetics
Classification: Uncertain significance. Last evaluated: 2024-01-10. Review status: criteria provided, single submitter. Criteria: ACMG Guidelines, 2015. Collection method: clinical testing. Allele origin: germline.

Labcorp Genetics (formerly Invitae), Labcorp
Classification: Uncertain significance. Last evaluated: 2022-06-30. Review status: criteria provided, single submitter. Criteria: Invitae Variant Classification Sherloc (09022015). Collection method: clinical testing. Allele origin: germline.
Comment: This sequence change replaces threonine, which is neutral and polar, with methionine, which is neutral and non-polar, at codon 3230 of the SPEG protein (p.Thr3230Met). This variant is present in population databases (rs201629381, gnomAD 0.05%). This variant has not been reported in the literature in individuals affected with SPEG-related conditions. Algorithms developed to predict the effect of missense changes on protein structure and function are either unavailable or do not agree on the potential impact of this missense change (SIFT: "Deleterious"; PolyPhen-2: "Probably Damaging"; Align-GVGD: "Class C0"). In summary, the available evidence is currently insufficient to determine the role of this variant in disease. Therefore, it has been classified as a Variant of Uncertain Significance.

NM_005876.5(SPEG):c.9689C>T (p.Thr3230Met)

Genes: ASIC4-AS1 (ASIC4 antisense RNA 1; minus strand), SPEG (striated muscle enriched protein kinase; plus strand). Cytogenetic location: 2q35.
Variant type: single nucleotide variant.
Coding change: c.9689C>T on transcript NM_005876.5 (MANE Select); coding-DNA position 9689, C replaced by T.
Protein change: p.Thr3230Met; replaces threonine 3230 with methionine.
Molecular consequence: missense variant.
Genome position (GRCh38, 1-based): chr2:219,492,671, C>T. VCF-style: chr2-219492671-C-T. GRCh37 (hg19) VCF-style: chr2-220357393-C-T.
Other names: c.9689C>T (NM_005876.4); short protein forms T3230M.
Identifiers: ClinVar variation 2414198 (VCV002414198.5), dbSNP rs201629381, ClinGen allele CA2127848.
Genomic context (GRCh38, chr2:219,492,671, plus strand): 5'-AGGACTGCCTGGCCCACCCATGGTTGCAGGACGCCTACCTGATGAAGCTGCGCCGCCAGA[C>T]GCTCACCTTCACCACCAACCGGCTCAAGGAGTTCCTGGGCGAGCAGCGGCGGCGCCGGGC-3'
Protein context (NP_005867.3, residues 3220-3240): DAYLMKLRRQ[Thr3230Met]LTFTTNRLKE